The following is an entry in ClinVar:

NM_000215.4(JAK3):c.3274G>A (p.Gly1092Ser)

Gene: JAK3 (Janus kinase 3; minus strand). Cytogenetic location: 19p13.11.
Variant type: single nucleotide variant.
Coding change: c.3274G>A on transcript NM_000215.4 (MANE Select); coding-DNA position 3274, G replaced by A.
Protein change: p.Gly1092Ser; replaces glycine 1092 with serine.
Molecular consequence: missense variant.
Genome position (GRCh38, 1-based): chr19:17,826,844, C>T on the plus strand (G>A on the coding strand, the complement: JAK3 is on the minus strand). VCF-style: chr19-17826844-C-T. GRCh37 (hg19) VCF-style: chr19-17937653-C-T.
Other names: short protein forms G1092S.
Identifiers: ClinVar variation 2891836 (VCV002891836.3), dbSNP rs768704753, ClinGen allele CA9301359.

ClinVar aggregate classification (germline): Uncertain significance (1 of 4 stars; one submission).

Conditions:
T-B+ severe combined immunodeficiency due to JAK3 deficiency. Also called: SCID, autosomal recessive, T-negative/B-positive type; SCID, T CELL-NEGATIVE, B CELL-POSITIVE, NK CELL-NEGATIVE. Identifiers: Orphanet 35078, MedGen C1833275, MONDO:0010938, OMIM 600802.

Allele frequency attached by ClinVar (database versions not stated): gnomAD exomes below 0.00001; ExAC 0.00002.
gnomAD v4.1: 4 of 1,614,024 alleles (0.00025%); highest among the groups gnomAD compares: Admixed American, 0.005%; no homozygotes.

Submission:

Labcorp Genetics (formerly Invitae), Labcorp
Classification: Uncertain significance for T-B+ severe combined immunodeficiency due to JAK3 deficiency. Last evaluated: 2024-10-16. Review status: criteria provided, single submitter. Criteria: Invitae Variant Classification Sherloc (09022015). Collection method: clinical testing. Allele origin: germline.
Comment: This sequence change replaces glycine, which is neutral and non-polar, with serine, which is neutral and polar, at codon 1092 of the JAK3 protein (p.Gly1092Ser). This variant is present in population databases (rs768704753, gnomAD 0.009%). This variant has not been reported in the literature in individuals affected with JAK3-related conditions. An algorithm developed to predict the effect of missense changes on protein structure and function outputs the following: PolyPhen-2: "Benign". The serine amino acid residue is found in multiple mammalian species, which suggests that this missense change does not adversely affect protein function. In summary, the available evidence is currently insufficient to determine the role of this variant in disease. Therefore, it has been classified as a Variant of Uncertain Significance.